The following is an entry in ClinVar:

NM_004655.4(AXIN2):c.1147C>G (p.Leu383Val)

Gene: AXIN2 (axin 2; minus strand). Cytogenetic location: 17q24.1.
Variant type: single nucleotide variant.
Coding change: c.1147C>G on transcript NM_004655.4 (MANE Select); coding-DNA position 1147, C replaced by G.
Protein change: p.Leu383Val; replaces leucine 383 with valine.
Molecular consequence: missense variant.
Genome position (GRCh38, 1-based): chr17:65,538,256, G>C on the plus strand (C>G on the coding strand, the complement: AXIN2 is on the minus strand). VCF-style: chr17-65538256-G-C. GRCh37 (hg19) VCF-style: chr17-63534374-G-C.
Other names: c.1147C>G, p.Leu383Val (NM_001363813.1); short protein forms L383V.
Identifiers: ClinVar variation 1732854 (VCV001732854.2), dbSNP rs1567757413, ClinGen allele CA400678327.
Genomic context (GRCh38, chr17:65,538,256, plus strand): 5'-GCATTACCTCTCGGATCTGCTGCAGGCGCTCCTCCAGGCTGTGGCGGCTCTCCAACTCCA[G>C]CTTCAGCTTTTCCAGCCTCGAGATCAGCTCAGCTGCAAAGGTGGCGGGTTCCACGGGGGT-3'
Protein context (NP_004646.3, residues 373-393): ELISRLEKLK[Leu383Val]ELESRHSLEE

ClinVar aggregate classification (germline): Uncertain significance (1 of 4 stars; one submission).

Conditions:
Hereditary cancer-predisposing syndrome. Also called: Neoplastic Syndromes, Hereditary; Tumor predisposition; Hereditary Cancer Syndrome; Hereditary neoplastic syndrome. Identifiers: Orphanet 140162, MedGen C0027672, MeSH D009386, MONDO:0015356.

Allele frequency attached by ClinVar (database versions not stated): gnomAD exomes below 0.00001.

Submission:

Ambry Genetics
Classification: Uncertain significance for Hereditary cancer-predisposing syndrome. Last evaluated: 2021-05-26. Review status: criteria provided, single submitter. Criteria: Ambry Variant Classification Scheme 2023. Collection method: clinical testing. Allele origin: germline.
Comment: The p.L383V variant (also known as c.1147C>G), located in coding exon 4 of the AXIN2 gene, results from a C to G substitution at nucleotide position 1147. The leucine at codon 383 is replaced by valine, an amino acid with highly similar properties. This amino acid position is poorly conserved in available vertebrate species. In addition, this alteration is predicted to be tolerated by in silico analysis. Since supporting evidence is limited at this time, the clinical significance of this alteration remains unclear.